The following is an entry in ClinVar:

NM_018941.4(CLN8):c.19G>A (p.Gly7Arg)

Gene: CLN8 (CLN8 transmembrane ER and ERGIC protein; plus strand). Cytogenetic location: 8p23.3.
Variant type: single nucleotide variant.
Coding change: c.19G>A on transcript NM_018941.4 (MANE Select); coding-DNA position 19, G replaced by A.
Protein change: p.Gly7Arg; replaces glycine 7 with arginine.
Molecular consequence: missense variant.
Genome position (GRCh38, 1-based): chr8:1,771,073, G>A. VCF-style: chr8-1771073-G-A. GRCh37 (hg19) VCF-style: chr8-1719239-G-A.
Other names: short protein forms G7R.
Identifiers: ClinVar variation 665243 (VCV000665243.6), dbSNP rs764099428, ClinGen allele CA369952716.

ClinVar aggregate classification (germline): Uncertain significance (1 of 4 stars; one submission).

Conditions:
Neuronal ceroid lipofuscinosis. Also called: Neuronal Ceroid Lipofuscinoses. Identifiers: Orphanet 216, Orphanet 79263, MedGen C0027877, MONDO:0016295. Disease mechanism: loss of function.

Submission:

Labcorp Genetics (formerly Invitae), Labcorp
Classification: Uncertain significance for Neuronal ceroid lipofuscinosis. Last evaluated: 2018-10-18. Review status: criteria provided, single submitter. Criteria: Invitae Variant Classification Sherloc (09022015). Collection method: clinical testing. Allele origin: germline.
Comment: In summary, the available evidence is currently insufficient to determine the role of this variant in disease. Therefore, it has been classified as a Variant of Uncertain Significance. Algorithms developed to predict the effect of missense changes on protein structure and function (SIFT, PolyPhen-2, Align-GVGD) all suggest that this variant is likely to be tolerated, but these predictions have not been confirmed by published functional studies and their clinical significance is uncertain. This variant has not been reported in the literature in individuals with CLN8-related disease. This variant is not present in population databases (ExAC no frequency). This sequence change replaces glycine with arginine at codon 7 of the CLN8 protein (p.Gly7Arg). The glycine residue is moderately conserved and there is a moderate physicochemical difference between glycine and arginine.